The following is an entry in ClinVar:

NM_001613.4(ACTA2):c.446G>A (p.Arg149His)

Gene: ACTA2 (actin alpha 2, smooth muscle; minus strand). Cytogenetic location: 10q23.31.
Variant type: single nucleotide variant.
Coding change: c.446G>A on transcript NM_001613.4 (MANE Select); coding-DNA position 446, G replaced by A.
Protein change: p.Arg149His; replaces arginine 149 with histidine.
Molecular consequence: missense variant.
Genome position (GRCh38, 1-based): chr10:88,941,793, C>T on the plus strand (G>A on the coding strand, the complement: ACTA2 is on the minus strand). VCF-style: chr10-88941793-C-T. GRCh37 (hg19) VCF-style: chr10-90701550-C-T.
Other names: c.446G>A, p.Arg149His (NM_001141945.3, NM_001320855.2, NM_001406462.1 and 3 more transcripts); c.335G>A, p.Arg112His (NM_001406466.1); c.317G>A, p.Arg106His (NM_001406467.1, NM_001406468.1, NM_001406469.1); short protein forms R149H, R106H, R112H.
Identifiers: ClinVar variation 519580 (VCV000519580.18), dbSNP rs794728025, ClinGen allele CA377512414.

ClinVar aggregate classification (germline): Uncertain significance. Review status: criteria provided, multiple submitters, no conflicts (2 of 4 stars). 4 submissions from 4 submitters: Uncertain significance (4). Last evaluated 2025-07-09.

Conditions:
Aortic aneurysm, familial thoracic 6 (AAT6). Also called: FAMILIAL THORACIC AORTIC ANEURYSM WITH LIVEDO RETICULARIS AND IRIS FLOCCULI. Identifiers: MedGen C2673186, MONDO:0012730, OMIM 611788.
Familial thoracic aortic aneurysm and aortic dissection (TAAD). Also called: Thoracic aortic aneurysms and dissections. Identifiers: Orphanet 91387, MedGen C4707243, MONDO:0019625.

Allele frequency attached by ClinVar (database versions not stated): TOPMed below 0.00001; gnomAD 0.00001; gnomAD exomes 0.00001 and 0.00002.

Submissions (4):

Color Diagnostics, LLC DBA Color Health
Classification: Uncertain significance for Familial thoracic aortic aneurysm and aortic dissection. Last evaluated: 2025-07-09. Review status: criteria provided, single submitter. Criteria: ACMG Guidelines, 2015. Collection method: clinical testing. Allele origin: germline.
Comment: This missense variant replaces arginine with histidine at codon 149 of the ACTA2 protein. Computational prediction suggests that this variant may have a deleterious impact on protein structure and function. To our knowledge, functional studies have not been reported for this variant. This variant has been reported in two individuals affected with Stanford type A aortic dissection (PMID: 34422331). This variant has been identified in 4/246590 chromosomes in the general population by the Genome Aggregation Database (gnomAD). A different variant affecting the same codon, p.Arg149Cys, is considered to be disease-causing (ClinVar variation ID: 18276), suggesting that arginine at this position is important for ACTA2 protein function. The available evidence is insufficient to determine the role of this variant in disease conclusively. Therefore, this variant is classified as a Variant of Uncertain Significance.

Labcorp Genetics (formerly Invitae), Labcorp
Classification: Uncertain significance for Aortic aneurysm, familial thoracic 6. Last evaluated: 2025-05-30. Review status: criteria provided, single submitter. Criteria: Invitae Variant Classification Sherloc (09022015). Collection method: clinical testing. Allele origin: germline.
Comment: This sequence change replaces arginine, which is basic and polar, with histidine, which is basic and polar, at codon 149 of the ACTA2 protein (p.Arg149His). The frequency data for this variant in the population databases is considered unreliable, as metrics indicate poor data quality at this position in the gnomAD database. This missense change has been observed in individuals with aortic dissection (PMID: 34422331; internal data). ClinVar contains an entry for this variant (Variation ID: 519580). Invitae Evidence Modeling of protein sequence and biophysical properties (such as structural, functional, and spatial information, amino acid conservation, physicochemical variation, residue mobility, and thermodynamic stability) indicates that this missense variant is not expected to disrupt ACTA2 protein function with a negative predictive value of 80%. This variant disrupts the p.Arg149 amino acid residue in ACTA2. Other variant(s) that disrupt this residue have been determined to be pathogenic (PMID: 17994018, 24020716, 25644172). This suggests that this residue is clinically significant, and that variants that disrupt this residue are likely to be disease-causing. In summary, the available evidence is currently insufficient to determine the role of this variant in disease. Therefore, it has been classified as a Variant of Uncertain Significance.

All of Us Research Program, National Institutes of Health
Classification: Uncertain significance for Familial thoracic aortic aneurysm and aortic dissection. Last evaluated: 2024-09-23. Review status: criteria provided, single submitter. Criteria: ACMG Guidelines, 2015. Collection method: clinical testing. Allele origin: germline. Inheritance: Autosomal dominant inheritance. Observed: 2 variant alleles, 2 heterozygotes.
Comment: This study involves interpretation of variants in research participants for the purpose of population health screening. Participant phenotype was not available at the time of variant classification. Additional details can be found in publication PMID: 35346344, PMCID: PMC8962531

Ambry Genetics
Classification: Uncertain significance for Familial thoracic aortic aneurysm and aortic dissection. Last evaluated: 2024-02-28. Review status: criteria provided, single submitter. Criteria: Ambry Variant Classification Scheme 2023. Collection method: clinical testing. Allele origin: germline.
Comment: The p.R149H variant (also known as c.446G>A), located in coding exon 4 of the ACTA2 gene, results from a G to A substitution at nucleotide position 446. The arginine at codon 149 is replaced by histidine, an amino acid with highly similar properties. This alteration has been reported in individuals with thoracic aortic aneurysm and dissection (TAAD) (Chen ZR et al. J Thorac Dis, 2021 Jul;13:4008-4022). Another alteration affecting this amino acid (p.R149C, c.445C>T) has been reported in association with TAAD, livedo reticularis and iris flocculi (Guo DC et al. Nat Genet. 2007;39:1488-93). This missense alteration is located in a region that has a low rate of benign missense variation (Lek M et al. Nature. 2016 Aug 18;536(7616):285-91; DECIPHER: Database of Chromosomal Imbalance and Phenotype in Humans using Ensembl Resources. Firth H.V. et al. 2009. Am.J.Hum.Genet. 84, 524-533 (DOI)). This amino acid position is highly conserved in available vertebrate species. In addition, this alteration is predicted to be deleterious by in silico analysis. Since supporting evidence is limited at this time, the clinical significance of this alteration remains unclear.

Literature cited by the submitters: PubMed 34422331 (cited by 3 submitters); PubMed 17994018 (cited by Labcorp Genetics (formerly Invitae), Labcorp and Ambry Genetics); PubMed 24020716 (cited by Labcorp Genetics (formerly Invitae), Labcorp); PubMed 25644172 (cited by Labcorp Genetics (formerly Invitae), Labcorp).